The following is an entry in ClinVar:

ClinVar aggregate classification (germline): Uncertain significance (1 of 4 stars; one submission).

Conditions:
Long QT syndrome (LQTS). Identifiers: MedGen C0023976, MeSH D008133, MONDO:0002442. Disease mechanism: loss of function. Inheritance: Various modes of inheritance.

Allele frequency attached by ClinVar (database versions not stated): gnomAD exomes below 0.00001; gnomAD 0.00001.
gnomAD v4.1: 4 of 1,610,574 alleles (0.00025%); highest among the groups gnomAD compares: Non-Finnish European, 0.00034%; no homozygotes.

Submission:

Labcorp Genetics (formerly Invitae), Labcorp
Classification: Uncertain significance for Long QT syndrome. Last evaluated: 2023-04-08. Review status: criteria provided, single submitter. Criteria: Invitae Variant Classification Sherloc (09022015). Collection method: clinical testing. Allele origin: germline.
Comment: In summary, the available evidence is currently insufficient to determine the role of this variant in disease. Therefore, it has been classified as a Variant of Uncertain Significance. This sequence change replaces glutamic acid, which is acidic and polar, with lysine, which is basic and polar, at codon 2899 of the AKAP9 protein (p.Glu2899Lys). This variant is present in population databases (no rsID available, gnomAD 0.002%). This variant has not been reported in the literature in individuals affected with AKAP9-related conditions. An algorithm developed to predict the effect of missense changes on protein structure and function (PolyPhen-2) suggests that this variant is likely to be tolerated.

NM_005751.5(AKAP9):c.8695G>A (p.Glu2899Lys)

Gene: AKAP9 (A-kinase anchoring protein 9; plus strand). Cytogenetic location: 7q21.2.
Variant type: single nucleotide variant.
Coding change: c.8695G>A on transcript NM_005751.5 (MANE Select); coding-DNA position 8695, G replaced by A.
Protein change: p.Glu2899Lys; replaces glutamic acid 2899 with lysine.
Molecular consequence: missense variant.
Genome position (GRCh38, 1-based): chr7:92,084,688, G>A. VCF-style: chr7-92084688-G-A. GRCh37 (hg19) VCF-style: chr7-91714002-G-A.
Other names: c.3340G>A, p.Glu1114Lys (NM_001379277.1); c.8671G>A, p.Glu2891Lys (NM_147185.3); short protein forms E1114K, E2891K, E2899K.
Identifiers: ClinVar variation 2803789 (VCV002803789.3), dbSNP rs1455659840, ClinGen allele CA368140878.